The following is an entry in ClinVar:

NM_024422.6(DSC2):c.1053_1059del (p.His351fs)

Gene: DSC2 (desmocollin 2; minus strand). Cytogenetic location: 18q12.1.
Variant type: Deletion.
Coding change: c.1053_1059del on transcript NM_024422.6 (MANE Select); coding-DNA positions 1053 to 1059, 7 bases deleted (CTTGCCA; older notation c.1053_1059delCTTGCCA).
Protein change: p.His351fs; shifts the reading frame from histidine 351.
Molecular consequence: frameshift variant.
Genome position (GRCh38, 1-based): chr18:31,082,944-31,082,950, TGGCAAG deleted on the plus strand (CTTGCCA on the coding strand, the reverse complement: DSC2 is on the minus strand); deleting any 7 consecutive bases within chr18:31,082,944-31,082,953 gives the same sequence; the c. name uses the placement nearest the transcript's 3' end. VCF-style (leftmost placement, unchanged base first): chr18-31082943-TTGGCAAG-T. GRCh37 (hg19) VCF-style: chr18-28662909-TTGGCAAG-T.
Other names: c.1053_1059del, p.His351fs (NM_004949.5); short protein forms H351fs.
Identifiers: ClinVar variation 1405349 (VCV001405349.6), dbSNP rs1373100329, ClinGen allele CA629136209.

ClinVar aggregate classification (germline): Pathogenic (1 of 4 stars; one submission).

Conditions:
Arrhythmogenic right ventricular dysplasia 11. Also called: Arrhythmogenic right ventricular dysplasia 11 with mild palmoplantar keratoderma and woolly hair; Arrhythmogenic Right Ventricular Dysplasia/Cardiomyopathy11; ARRHYTHMOGENIC RIGHT VENTRICULAR DYSPLASIA, FAMILIAL, 11. Identifiers: MedGen C1864850, MONDO:0012506, OMIM 610476.

Submission:

Labcorp Genetics (formerly Invitae), Labcorp
Classification: Pathogenic for Arrhythmogenic right ventricular dysplasia 11. Last evaluated: 2022-04-19. Review status: criteria provided, single submitter. Criteria: Invitae Variant Classification Sherloc (09022015). Collection method: clinical testing. Allele origin: germline.
Comment: This sequence change creates a premature translational stop signal (p.His351Glnfs*9) in the DSC2 gene. It is expected to result in an absent or disrupted protein product. Loss-of-function variants in DSC2 are known to be pathogenic (PMID: 23911551). This variant is present in population databases (no rsID available, gnomAD 0.0009%). For these reasons, this variant has been classified as Pathogenic. This variant has not been reported in the literature in individuals affected with DSC2-related conditions.

Literature cited by the submitters: PubMed 23911551.